The following is an entry in ClinVar:

ClinVar aggregate classification (germline): Pathogenic (1 of 4 stars; one submission).

Conditions:
TH-deficient dopa-responsive dystonia. Also called: Tyrosine Hydroxylase-Deficient Dopa-Responsive Dystonia; Segawa syndrome, autosomal recessive; DYT-TH. Identifiers: Orphanet 101150, MedGen C2673535, MONDO:0011551, OMIM 605407.

Submission:

Labcorp Genetics (formerly Invitae), Labcorp
Classification: Pathogenic for TH-deficient dopa-responsive dystonia. Last evaluated: 2022-02-04. Review status: criteria provided, single submitter. Criteria: Invitae Variant Classification Sherloc (09022015). Collection method: clinical testing. Allele origin: germline.
Comment: This sequence change creates a premature translational stop signal (p.Lys78Glnfs*28) in the TH gene. It is expected to result in an absent or disrupted protein product. Loss-of-function variants in TH are known to be pathogenic (PMID: 22264700, 24753243). This variant is not present in population databases (gnomAD no frequency). This variant has not been reported in the literature in individuals affected with TH-related conditions. For these reasons, this variant has been classified as Pathogenic.

Literature cited by the submitters: PubMed 22264700; PubMed 24753243.

NM_000360.4(TH):c.138dup (p.Lys47fs)

Gene: TH (tyrosine hydroxylase; minus strand). Cytogenetic location: 11p15.5.
Variant type: Duplication.
Coding change: c.138dup on transcript NM_000360.4 (MANE Select); coding-DNA position 138, one base duplicated (C; older notation c.138dupC).
Protein change: p.Lys47fs; shifts the reading frame from lysine 47.
Molecular consequence: frameshift variant.
Genome position (GRCh38, 1-based): chr11:2,169,824, G duplicated on the plus strand (C on the coding strand, the reverse complement: TH is on the minus strand). VCF-style (leftmost placement, unchanged base first): chr11-2169823-T-TG. GRCh37 (hg19) VCF-style: chr11-2191053-T-TG.
Other names: c.231dup, p.Lys78fs (NM_199292.3); c.219dup, p.Lys74fs (NM_199293.3); short protein forms K78fs, K47fs, K74fs.
Identifiers: ClinVar variation 2093216 (VCV002093216.4), dbSNP rs2495830511, ClinGen allele CA2580082708.
Genomic context (GRCh38, chr11:2,169,823, plus strand): 5'-GGTCCCCGGGCTCCGAGGGGACTGCAGCGGCCGCTGCTGCCACCGCCGCCTCCCGCTCCT[T>TG]GCGGGCGTCCTCGATGAGGCTCTGCCTGCGCCCAATGAACCGCGGGGACTGTGGGGACAA-3'